The following is an entry in ClinVar:

ClinVar aggregate classification (germline): Pathogenic. Review status: criteria provided, single submitter (1 of 4 stars). 2 submissions from 2 submitters: Pathogenic (1). 1 of the submissions does not count toward it. Last evaluated 2026-01-09.

Conditions:
PHKA1-related disorder. Also called: PHKA1-related condition.
Glycogen phosphorylase kinase deficiency. Also called: Phosphorylase Kinase Deficiency; Glycogen Storage Disease Type IX. Identifiers: Orphanet 370, MedGen C0268147, MONDO:0700291.

Allele frequency attached by ClinVar (database versions not stated): gnomAD 0.00001.
gnomAD v4.1: 9 of 1,179,010 alleles (0.00076%); highest among the groups gnomAD compares: Non-Finnish European, 0.001%; no homozygotes.

Submissions (2):

Women's Health and Genetics/Laboratory Corporation of America, LabCorp
Classification: Pathogenic for Glycogen phosphorylase kinase deficiency. Last evaluated: 2026-01-09. Review status: criteria provided, single submitter. Criteria: LabCorp Variant Classification Summary - May 2015. Collection method: clinical testing. Allele origin: germline.
Comment: Variant summary: PHKA1 c.2911C>T (p.Arg971X) results in a premature termination codon, predicted to cause a truncation of the encoded protein or absence of the protein due to nonsense mediated decay, which are commonly known mechanisms for disease. The variant allele was found at a frequency of 1.1e-05 in 180614 control chromosomes (gnomAD). To our knowledge, no occurrence of c.2911C>T in individuals affected with PHKA1-related conditions and no experimental evidence demonstrating its impact on protein function have been reported. ClinVar contains an entry for this variant (Variation ID: 3056727). Based on the evidence outlined above, the variant was classified as pathogenic.

PreventionGenetics, part of Exact Sciences
Classification: Likely pathogenic for PHKA1-related condition. Last evaluated: 2024-02-26. Review status: no assertion criteria provided. Collection method: clinical testing. Allele origin: germline. Not counted in ClinVar's aggregate classification.
Comment: The PHKA1 c.2911C>T variant is predicted to result in premature protein termination (p.Arg971*). To our knowledge, this variant has not been reported in the literature. This variant is reported in 0.0025% of alleles in individuals of European (Non-Finnish) descent in gnomAD. Nonsense variants in PHKA1 are expected to be pathogenic. This variant is interpreted as likely pathogenic.

NM_002637.4(PHKA1):c.2911C>T (p.Arg971Ter)

Gene: PHKA1 (phosphorylase kinase regulatory subunit alpha 1; minus strand). Cytogenetic location: Xq13.1.
Variant type: single nucleotide variant.
Coding change: c.2911C>T on transcript NM_002637.4 (MANE Select); coding-DNA position 2911, C replaced by T.
Protein change: p.Arg971Ter; replaces arginine 971 with a stop codon.
Molecular consequence: nonsense.
Genome position (GRCh38, 1-based): chrX:72,603,125, G>A on the plus strand (C>T on the coding strand, the complement: PHKA1 is on the minus strand). VCF-style: chrX-72603125-G-A. GRCh37 (hg19) VCF-style: chrX-71822975-G-A.
Other names: c.2911C>T, p.Arg971Ter (NM_001122670.2); c.2734C>T, p.Arg912Ter (NM_001172436.2); short protein forms R912*, R971*.
Identifiers: ClinVar variation 3056727 (VCV003056727.3), dbSNP rs781902994, ClinGen allele CA10450602.